The following is an entry in ClinVar:

NM_004333.6(BRAF):c.1151G>A (p.Arg384Lys)

Gene: BRAF (B-Raf proto-oncogene, serine/threonine kinase; minus strand). Cytogenetic location: 7q34.
Variant type: single nucleotide variant.
Coding change: c.1151G>A on transcript NM_004333.6 (MANE Select); coding-DNA position 1151, G replaced by A.
Protein change: p.Arg384Lys; replaces arginine 384 with lysine.
Molecular consequence: missense variant. On other transcripts: intron variant (1).
Genome position (GRCh38, 1-based): chr7:140,787,574, C>T on the plus strand (G>A on the coding strand, the complement: BRAF is on the minus strand). VCF-style: chr7-140787574-C-T. GRCh37 (hg19) VCF-style: chr7-140487374-C-T.
Other names: c.1151G>A, p.Arg384Lys (NM_001354609.2, NM_001374244.1, NM_001374258.1 and 3 more transcripts); c.1160G>A, p.Arg387Lys (NM_001378467.1); c.1049G>A, p.Arg350Lys (NM_001378470.1); c.995G>A, p.Arg332Lys (NM_001378472.1, NM_001378473.1); c.887G>A, p.Arg296Lys (NM_001378475.1); c.1141-4491G>A (NM_001378471.1); short protein forms R384K, R296K, R332K, R350K, R387K.
Identifiers: ClinVar variation 1704543 (VCV001704543.3), dbSNP rs1264766156, ClinGen allele CA369589638.

ClinVar aggregate classification (germline): Uncertain significance. Review status: criteria provided, multiple submitters, no conflicts (2 of 4 stars). 3 submissions from 3 submitters: Uncertain significance (3). Last evaluated 2024-04-25.

Conditions:
Cardiovascular phenotype. Identifiers: MedGen CN230736.

Allele frequency attached by ClinVar (database versions not stated): gnomAD exomes below 0.00001.
gnomAD v4.1: 1 of 1,612,488 alleles (0.000062%); highest among the groups gnomAD compares: East Asian, 0.0022%; no homozygotes.

Submissions (3):

Ambry Genetics
Classification: Uncertain significance for Cardiovascular phenotype. Last evaluated: 2024-04-25. Review status: criteria provided, single submitter. Criteria: Ambry Variant Classification Scheme 2023. Collection method: clinical testing. Allele origin: germline.
Comment: The p.R384K variant (also known as c.1151G>A), located in coding exon 9 of the BRAF gene, results from a G to A substitution at nucleotide position 1151. The arginine at codon 384 is replaced by lysine, an amino acid with highly similar properties. This amino acid position is highly conserved in available vertebrate species. In addition, the in silico prediction for this alteration is inconclusive. Based on the available evidence, the clinical significance of this variant remains unclear.

Women's Health and Genetics/Laboratory Corporation of America, LabCorp
Classification: Uncertain significance. Last evaluated: 2022-07-04. Review status: criteria provided, single submitter. Criteria: LabCorp Variant Classification Summary - May 2015. Collection method: clinical testing. Allele origin: germline.
Comment: Variant summary: BRAF c.1151G>A (p.Arg384Lys) results in a conservative amino acid change in the encoded protein sequence. Four of five in-silico tools predict a benign effect of the variant on protein function. The variant was absent in 251312 control chromosomes. The available data on variant occurrences in the general population are insufficient to allow any conclusion about variant significance. To our knowledge, no occurrence of c.1151G>A in individuals affected with Cardiofaciocutaneous Syndrome and no experimental evidence demonstrating its impact on protein function have been reported. No clinical diagnostic laboratories have submitted clinical-significance assessments for this variant to ClinVar after 2014. Based on the evidence outlined above, the variant was classified as uncertain significance.

Blueprint Genetics
Classification: Uncertain significance. Last evaluated: 2021-08-27. Review status: criteria provided, single submitter. Criteria: ACMG Guidelines, 2015. Collection method: clinical testing. Allele origin: germline.